The following is an entry in ClinVar:

ClinVar aggregate classification (germline): Pathogenic (1 of 4 stars; one submission).

Conditions:
Severe combined immunodeficiency due to DCLRE1C deficiency (RS-SCID). Also called: SCID, AUTOSOMAL RECESSIVE, T CELL-NEGATIVE, B CELL-NEGATIVE, NK CELL-POSITIVE, WITH SENSITIVITY TO IONIZING RADIATION. Identifiers: Orphanet 275, MedGen C1865371, MONDO:0011225, OMIM 602450.

Submission:

Labcorp Genetics (formerly Invitae), Labcorp
Classification: Pathogenic for Severe combined immunodeficiency with sensitivity to ionizing radiation. Last evaluated: 2018-10-31. Review status: criteria provided, single submitter. Criteria: Invitae Variant Classification Sherloc (09022015). Collection method: clinical testing. Allele origin: germline.
Comment: This variant is an out-of-frame deletion of the genomic region encompassing exons 5-6 of the DCLRE1C gene. This is expected to create a premature translational stop signal and result in an absent or disrupted protein product. This variant has been observed in combination with another DCLRE1C variant in an individual affected with severe combined immune deficiencyÂ¬â€ (PMID:Â¬â€ 11336668). Loss-of-function variants in DCLRE1C are known to be pathogenic (PMID: 21664875, 26123418). For these reasons, this variant has been classified as Pathogenic.

NC_000010.11:g.(?_14935443)_(14936613_?)del

Gene: DCLRE1C (DNA cross-link repair 1C; minus strand). Cytogenetic location: 10p13.
Variant type: Deletion.
Identifiers: ClinVar variation 649069 (VCV000649069.1).